The following is an entry in ClinVar:

ClinVar aggregate classification (germline): Pathogenic. Review status: criteria provided, multiple submitters, no conflicts (2 of 4 stars). 12 submissions from 11 submitters: Pathogenic (10). 2 of the submissions do not count toward it. Last evaluated 2026-01-12.

Conditions:
FGFR2-related disorder. Identifiers: MedGen CN380096.
Inborn genetic diseases. Identifiers: MedGen C0950123, MeSH D030342.
FGFR2-related craniosynostosis. Identifiers: MedGen CN231480.
Jackson-Weiss syndrome (JWS). Also called: CRANIOSYNOSTOSIS, MIDFACIAL HYPOPLASIA, AND FOOT ABNORMALITIES. Identifiers: Orphanet 1540, MedGen C0795998, MONDO:0007400, OMIM 123150. Disease mechanism: loss of function.
Pfeiffer syndrome (ACS5). Also called: ACS V. Identifiers: Orphanet 710, MedGen C0220658, MONDO:0007043, OMIM 101600.
Crouzon syndrome. Also called: CRANIOFACIAL DYSOSTOSIS, TYPE I; Craniofacial dysostosis; Craniofacial dysostosis type 1; Crouzon craniofacial dysostosis; Crouzon disease. Identifiers: Orphanet 207, MedGen C0010273, MeSH D003394, MONDO:0007405, OMIM 123500, HP:0004439.

Allele frequency attached by ClinVar (database versions not stated): gnomAD exomes below 0.00001.
gnomAD v4.1: 1 of 1,614,206 alleles (0.000062%); highest among the groups gnomAD compares: Non-Finnish European, 0.000085%; no homozygotes.

Submissions (12):

Labcorp Genetics (formerly Invitae), Labcorp
Classification: Pathogenic for FGFR2-related craniosynostosis. Last evaluated: 2026-01-12. Review status: criteria provided, single submitter. Criteria: Invitae Variant Classification Sherloc (09022015). Collection method: clinical testing. Allele origin: germline.
Comment: This sequence change replaces glutamine, which is neutral and polar, with proline, which is neutral and non-polar, at codon 289 of the FGFR2 protein (p.Gln289Pro). This variant is not present in population databases (gnomAD no frequency). This missense change has been observed in individual(s) with FGFR2-related craniosynostosis syndromes, including Crouzon syndrome, and type 1 Pfeiffer syndrome (PMID: 7655462, 16418739, 19066959). In at least one individual the variant was observed to be de novo. ClinVar contains an entry for this variant (Variation ID: 13276). Invitae Evidence Modeling of protein sequence and biophysical properties (such as structural, functional, and spatial information, amino acid conservation, physicochemical variation, residue mobility, and thermodynamic stability) has been performed for this missense variant. However, the output from this modeling did not meet the statistical confidence thresholds required to predict the impact of this variant on FGFR2 protein function. For these reasons, this variant has been classified as Pathogenic.

Ambry Genetics
Classification: Pathogenic for Inborn genetic diseases. Last evaluated: 2025-08-07. Review status: criteria provided, single submitter. Criteria: Ambry Variant Classification Scheme 2023. Collection method: clinical testing. Allele origin: germline.
Comment: The c.866A>C (p.Q289P) alteration is located in exon 7 (coding exon 6) of the FGFR2 gene. This alteration results from an A to C substitution at nucleotide position 866, causing the glutamine (Q) at amino acid position 289 to be replaced by a proline (P). for FGFR2-related craniosynostosis disorders; however, its clinical significance for FGFR2-related lacrimoauriculodentodigital syndrome is uncertain. This variant was not reported in population-based cohorts in the Genome Aggregation Database (gnomAD). This variant was reported in individuals with features consistent with FGFR2-related craniosynostosis disorders; in at least one individual, it was determined to be de novo (Lajeunie, 2006; Piccione, 2009; Nur, 2014). This amino acid position is highly conserved in available vertebrate species. This alteration is predicted to be deleterious by in silico analysis. Based on the available evidence, this alteration is classified as pathogenic.

Institute of Medical Genetics and Applied Genomics, University Hospital Tübingen
Classification: Pathogenic for Crouzon syndrome. Last evaluated: 2025-06-26. Review status: criteria provided, single submitter. Criteria: ACMG Guidelines, 2015. Collection method: clinical testing. Allele origin: de novo. Inheritance: Autosomal dominant inheritance. Affected: yes.

Rady Children's Institute for Genomic Medicine, Rady Children's Hospital San Diego
Classification: Pathogenic for FGFR2-related disorders. Last evaluated: 2024-12-26. Review status: criteria provided, single submitter. Criteria: ACMG Guidelines, 2015. Collection method: clinical testing. Allele origin: germline. Affected: yes.
Comment: The FGFR2 gene is constrained against variation (Z-score = 4.45 and pLI = 1), and missense variants are a common mechanism of disease (PMID: 20301628, 31145570). The c.866A>C (p.Gln289Pro) variant affects a highly conserved amino acid and is predicted by multiple in silico tools to have a deleterious effect on protein function. This variant has been previously reported as a de novo and heterozygous change in individuals with FGFR2-related disorders (PMID: 7655462, 16526917, 19066959, 35591945). The c.866A>C (p.Gln289Pro) variant is located in a mutational hotspot for pathogenic variations associated with FGFR2-related disorders (PMID: 11781872, 7655462). The c.866A>C (p.Gln289Pro) variant is present in the latest version of the gnomAD population database at an allele frequency of 0.0001% (1/1614206) and thus is presumed to be rare. Based on the available evidence, c.866A>C (p.Gln289Pro) is classified as Pathogenic.

3billion
Classification: Pathogenic for FGFR2-related disorder. Last evaluated: 2024-12-19. Review status: criteria provided, single submitter. Criteria: ACMG Guidelines, 2015. Collection method: clinical testing. Allele origin: germline. Affected: yes.
Comment: The variant is observed at an extremely low frequency in the gnomAD v4.1.0 dataset (total allele frequency: <0.001%). Predicted Consequence/Location: The variant is located in a mutational hot spot and/or well-established functional domain in which established pathogenic variants have been reported. Missense variant. Missense changes are a common disease-causing mechanism. In silico tool predictions suggest damaging effect of the variant on gene or gene product [REVEL: 0.78 (>=0.6, sensitivity 0.68 and specificity 0.92); 3Cnet: 0.98 (>=0.6, sensitivity 0.72 and precision 0.9)]. The same nucleotide change resulting in the same amino acid change has been previously reported as pathogenic/likely pathogenic with strong evidence (ClinVar ID: VCV000013276 /PMID: 7655462). Therefore, this variant is classified as Pathogenic according to the recommendation of ACMG/AMP guideline.

Division of Genetic & Genomic Pathology, Hong Kong Children's Hospital
Classification: Pathogenic for FGFR2-related craniosynostosis. Last evaluated: 2024-09-24. Review status: criteria provided, single submitter. Criteria: ACMG Guidelines, 2015. Collection method: clinical testing. Allele origin: germline. Affected: yes.
Comment: FGFR2 c.866A>C p.(Gln289Pro) is a missense variant located in exon 7. The variant is present at a very low frequency in control populations (gnomAD v2.1.1: absent; gnomAD v4.1.0: 1 in 1,614,206 alleles). The variant has been reported in more than 10 patients with various FGFR2-related craniosynostosis syndromes (PMID: 7655462, 12884424, 16418739, 16526917, 19066959, 22355256, 35591945, ClinVar accession: VCV000013276.21). For these reasons, this variant is classified as pathogenic.

Genomic Medicine Center of Excellence, King Faisal Specialist Hospital and Research Centre
Classification: Pathogenic for Pfeiffer syndrome. Last evaluated: 2024-03-17. Review status: criteria provided, single submitter. Criteria: ACMG Guidelines, 2015. Collection method: research. Allele origin: germline.

GeneDx
Classification: Pathogenic. Last evaluated: 2023-03-08. Review status: criteria provided, single submitter. Criteria: GeneDx Variant Classification Process June 2021. Collection method: clinical testing. Allele origin: germline. Affected: yes.
Comment: Not observed in large population cohorts (gnomAD); Within the immunoglobulin-like domain 3, in which pathogenic variants are typically associated with craniosynostosis phenotypes (Kan et al., 2002); In silico analysis, which includes protein predictors and evolutionary conservation, supports a deleterious effect; This variant is associated with the following publications: (PMID: 9385368, 23754559, 19066959, 7655462, 11781872, 8644708, 30355600, 7581378, 10712195, 16526917, 22355256, 24656465, 11173845, 12884424, 16470531, 32369273, 16418739, 35591945)

Genetic Services Laboratory, University of Chicago
Classification: Pathogenic. Last evaluated: 2018-06-12. Review status: criteria provided, single submitter. Criteria: ACMG Guidelines, 2015. Collection method: clinical testing. Allele origin: germline. Affected: yes.
Comment: DNA sequence analysis of the FGFR2 gene demonstrated a sequence change, c.866A>C, in exon 7 that results in an amino acid change, p.Gln289Pro. This sequence change is absent from population databases (ExAc and GnomAD) and it has been reported in multiple patients with craniosynostosis syndromes including Crouzon syndrome (PMIDs: 7655462, 22355256, 11781872), Pfeiffer syndrome (PMID: 19066959), Jackson-Weiss syndrome (PMID: 7581378) and Saethre-Chotzen Syndrome (PMID: 16526917). The p.Gln289Pro change affects a moderately conserved amino acid residue located in a domain of the FGFR2 protein that is known to be functional. In-silico pathogenicity prediction tools (SIFT, PolyPhen2, Align GVGD, REVEL) provide contradictory results for the p.Gln289Pro substitution. The p.Gln289Pro amino acid change occurs in a region of the FGFR2 gene where other missense sequence changes have been described in patients with FGFR2-related disorders. These collective evidences indicate that this sequence change is the likely cause of this phenotype, however functional studies have not been performed to prove this conclusively.

Genomic Diagnostic Laboratory, Division of Genomic Diagnostics, Children's Hospital of Philadelphia
Classification: Pathogenic for Pfeiffer syndrome. Last evaluated: 2016-09-17. Review status: criteria provided, single submitter. Criteria: DGD Variant Analysis Guidelines. Collection method: clinical testing. Allele origin: germline. Affected: yes. Observed: 5 variant alleles.
Comment: Clinical Testing

OMIM
Classification: Pathogenic for CROUZON SYNDROME. Last evaluated: 1996-03-01. Review status: no assertion criteria provided. Collection method: literature only. Allele origin: germline. Not counted in ClinVar's aggregate classification.

OMIM
Classification: Pathogenic for JACKSON-WEISS SYNDROME. Last evaluated: 1996-03-01. Review status: no assertion criteria provided. Collection method: literature only. Allele origin: germline. Not counted in ClinVar's aggregate classification.

Literature cited by the submitters: PubMed 7655462 (cited by 4 submitters); PubMed 16418739 (cited by 3 submitters); PubMed 19066959 (cited by 4 submitters); PubMed 24656465 (cited by Ambry Genetics); PubMed 20301628 (cited by Rady Children's Institute for Genomic Medicine, Rady Children's Hospital San Diego); PubMed 31145570 (cited by Rady Children's Institute for Genomic Medicine, Rady Children's Hospital San Diego); PubMed 16526917 (cited by Rady Children's Institute for Genomic Medicine, Rady Children's Hospital San Diego and Division of Genetic & Genomic Pathology, Hong Kong Children's Hospital); PubMed 35591945 (cited by Rady Children's Institute for Genomic Medicine, Rady Children's Hospital San Diego and Division of Genetic & Genomic Pathology, Hong Kong Children's Hospital); PubMed 11781872 (cited by Rady Children's Institute for Genomic Medicine, Rady Children's Hospital San Diego); PubMed 12884424 (cited by Division of Genetic & Genomic Pathology, Hong Kong Children's Hospital); PubMed 22355256 (cited by Division of Genetic & Genomic Pathology, Hong Kong Children's Hospital); PubMed 7581378 (cited by OMIM); PubMed 8644708 (cited by OMIM).

NM_000141.5(FGFR2):c.866A>C (p.Gln289Pro)

Gene: FGFR2 (fibroblast growth factor receptor 2; minus strand). Cytogenetic location: 10q26.13.
Variant type: single nucleotide variant.
Coding change: c.866A>C on transcript NM_000141.5 (MANE Select); coding-DNA position 866, A replaced by C.
Protein change: p.Gln289Pro; replaces glutamine 289 with proline.
Molecular consequence: missense variant. On other transcripts: non-coding transcript variant (1), intron variant (1).
Genome position (GRCh38, 1-based): chr10:121,520,052, T>G on the plus strand (A>C on the coding strand, the complement: FGFR2 is on the minus strand). VCF-style: chr10-121520052-T-G. GRCh37 (hg19) VCF-style: chr10-123279566-T-G.
Other names: c.866A>C, p.Gln289Pro (NM_001144913.1, NM_001144917.2, NM_001320658.2 and 1 more transcripts); c.599A>C, p.Gln200Pro (NM_001144915.2, NM_001144919.2, NM_023029.3); c.521A>C, p.Gln174Pro (NM_001144916.2, NM_001144918.2); c.182A>C, p.Gln61Pro (NM_001320654.2); c.749-4733A>C (NM_001144914.1); short protein forms Q289P, Q174P, Q200P, Q61P.
Identifiers: ClinVar variation 13276 (VCV000013276.28), dbSNP rs121918497, ClinGen allele CA280178.